The following is an entry in ClinVar:

ClinVar aggregate classification (germline): Conflicting classifications of pathogenicity. Review status: criteria provided, conflicting classifications (1 of 4 stars). 10 submissions from 10 submitters: Uncertain significance (6); Likely benign (3). 1 of the submissions does not count toward it. Last evaluated 2025-11-03.

Conditions:
MLH3-related disorder. Also called: MLH3-related condition.
Hereditary cancer. Identifiers: MedGen C1333600.
Endometrial carcinoma. Also called: Endometrial carcinoma, somatic. Identifiers: MedGen C0476089, MONDO:0002447, OMIM 608089, HP:0012114.
Colorectal cancer, hereditary nonpolyposis, type 7. Identifiers: Orphanet 144, MedGen C1858380, MONDO:0013725, OMIM 614385.
Colorectal cancer. Also called: Colorectal cancer, somatic; Malignant Colorectal Neoplasm. Identifiers: MedGen C0346629, MONDO:0005575, OMIM 114500.
Lynch syndrome. Identifiers: Orphanet 144, MedGen C4552100, MONDO:0005835. Disease mechanism: loss of function.

Allele frequency attached by ClinVar (database versions not stated): gnomAD exomes 0.00040 and 0.00031; ExAC 0.00044; 1000 Genomes Project 30x 0.00047; ESP Exome Variant Server 0.00054; 1000 Genomes Project 0.00060; gnomAD 0.00035 and 0.00036; TOPMed 0.00035.
gnomAD v4.1: 523 of 1,613,824 alleles (0.032%); highest among the groups gnomAD compares: Middle Eastern, 0.033%; no homozygotes.

Submissions (10):

Labcorp Genetics (formerly Invitae), Labcorp
Classification: Likely benign for Colorectal cancer, hereditary nonpolyposis, type 7. Last evaluated: 2025-11-03. Review status: criteria provided, single submitter. Criteria: Invitae Variant Classification Sherloc (09022015). Collection method: clinical testing. Allele origin: germline.

Center for Genomic Medicine, Rigshospitalet, Copenhagen University Hospital
Classification: Uncertain significance. Last evaluated: 2025-03-04. Review status: criteria provided, single submitter. Criteria: ACMG Guidelines, 2015. Collection method: clinical testing. Allele origin: germline.

Mendelics
Classification: Likely benign for Hereditary cancer. Last evaluated: 2024-09-11. Review status: criteria provided, single submitter. Criteria: ACMG Guidelines, 2015. Collection method: clinical testing. Allele origin: unknown.
Comment: This variant is considered likely benign or benign based on one or more of the following: it is predicted to be benign by multiple in silico algorithms, and/or has population frequency not consistent with disease, and/or has normal protein function, and/or has lack of segregation with disease, and/or has been detected in co-occurrence with known pathogenic variant, and/or has lack of disease association in case-control studies, and/or is located in a region inconsistent with a known cause of pathogenicity.

ARUP Laboratories, Molecular Genetics and Genomics, ARUP Laboratories
Classification: Uncertain significance. Last evaluated: 2023-12-15. Review status: criteria provided, single submitter. Criteria: ARUP Molecular Germline Variant Investigation Process 2024. Collection method: clinical testing. Allele origin: germline.
Comment: The MLH3 c.3440A>T; p.Asn1147Ile variant (rs142124529) is reported in the literature in several individuals affected with colorectal cancer or suspected Lynch syndrome, although the variant was not demonstrated to be disease-causing in these individuals (Liccardo 2022, Raskin 2017). This variant is found in the general population with an overall allele frequency of 0.04% (109/282,674 alleles) in the Genome Aggregation Database (v2.1.1). Computational analyses predict that this variant is deleterious (REVEL: 0.722). Due to limited information, the clinical significance of the p.Asn1147Ile variant is uncertain at this time. References: Liccardo R et al. Significance of rare variants in genes involved in the pathogenesis of Lynch syndrome. Int J Mol Med. 2022 Jun;49(6):81. PMID: 35475445. Raskin L et al. Targeted sequencing of established and candidate colorectal cancer genes in the Colon Cancer Family Registry Cohort. Oncotarget. 2017 Jun 21;8(55):93450-93463. PMID: 29212164.

Department of Pathology and Laboratory Medicine, Sinai Health System
Classification: Uncertain significance for Colorectal cancer; Endometrial carcinoma; Colorectal cancer, hereditary nonpolyposis, type 7. Last evaluated: 2022-07-13. Review status: criteria provided, single submitter. Criteria: ACMG Guidelines, 2015. Collection method: clinical testing. Allele origin: germline. Affected: yes.

Mayo Clinic Laboratories, Mayo Clinic
Classification: Uncertain significance. Last evaluated: 2021-06-07. Review status: criteria provided, single submitter. Criteria: ACMG Guidelines, 2015. Collection method: clinical testing. Allele origin: germline.

Ambry Genetics
Classification: Likely benign. Last evaluated: 2020-06-25. Review status: criteria provided, single submitter. Criteria: Ambry Variant Classification Scheme 2023. Collection method: clinical testing. Allele origin: germline.

Illumina Laboratory Services, Illumina
Classification: Uncertain significance for Colorectal cancer, hereditary nonpolyposis, type 7. Last evaluated: 2018-01-13. Review status: criteria provided, single submitter. Criteria: ICSL Variant Classification Criteria 13 December 2019. Collection method: clinical testing. Allele origin: germline.

CSER _CC_NCGL, University of Washington
Classification: Uncertain significance for Lynch syndrome. Last evaluated: 2016-10-01. Review status: criteria provided, single submitter. Criteria: Amendola et al. (Genome Res. 2015). Collection method: research. Allele origin: germline. Affected: yes. Study: CSER - NEXT Medicine variant annotation.
Comment: This interpretation considers GERP score and allele frequency data, in addition to published reports of the variant in the literature, available at the time of review.

PreventionGenetics, part of Exact Sciences
Classification: Likely benign for MLH3-related condition. Last evaluated: 2024-05-07. Review status: no assertion criteria provided. Collection method: clinical testing. Allele origin: germline. Not counted in ClinVar's aggregate classification.
Comment: This variant is classified as likely benign based on ACMG/AMP sequence variant interpretation guidelines (Richards et al. 2015 PMID: 25741868, with internal and published modifications).

Literature cited by the submitters: PubMed 35475445 (cited by Center for Genomic Medicine, Rigshospitalet, Copenhagen University Hospital).

NM_001040108.2(MLH3):c.3440A>T (p.Asn1147Ile)

Gene: MLH3 (mutL homolog 3; minus strand). Cytogenetic location: 14q24.3.
Variant type: single nucleotide variant.
Coding change: c.3440A>T on transcript NM_001040108.2 (MANE Select); coding-DNA position 3440, A replaced by T.
Protein change: p.Asn1147Ile; replaces asparagine 1147 with isoleucine.
Molecular consequence: missense variant.
Genome position (GRCh38, 1-based): chr14:75,041,640, T>A on the plus strand (A>T on the coding strand, the complement: MLH3 is on the minus strand). VCF-style: chr14-75041640-T-A. GRCh37 (hg19) VCF-style: chr14-75508343-T-A.
Other names: c.3440A>T, p.Asn1147Ile (NM_014381.3); short protein forms N1147I.
Identifiers: ClinVar variation 314375 (VCV000314375.55), dbSNP rs142124529, ClinGen allele CA7275497.